The following is an entry in ClinVar:

ClinVar aggregate classification (germline): Uncertain significance (1 of 4 stars; one submission).

Conditions:
Inborn genetic diseases. Identifiers: MedGen C0950123, MeSH D030342.

gnomAD v4.1: 3 of 1,614,086 alleles (0.00019%); highest among the groups gnomAD compares: Middle Eastern, 0.016%; no homozygotes.

Submission:

Ambry Genetics
Classification: Uncertain significance for Inborn genetic diseases. Last evaluated: 2025-04-18. Review status: criteria provided, single submitter. Criteria: Ambry Variant Classification Scheme 2023. Collection method: clinical testing. Allele origin: germline.
Comment: The p.H313R variant (also known as c.938A>G), located in coding exon 6 of the MECOM gene, results from an A to G substitution at nucleotide position 938. The histidine at codon 313 is replaced by arginine, an amino acid with highly similar properties. This amino acid position is conserved. In addition, this alteration is predicted to be deleterious by in silico analysis. Based on the available evidence, the clinical significance of this variant remains unclear.

NM_004991.4(MECOM):c.938A>G (p.His313Arg)

Gene: MECOM (MDS1 and EVI1 complex locus; minus strand). Cytogenetic location: 3q26.2.
Variant type: single nucleotide variant.
Coding change: c.938A>G on transcript NM_004991.4 (MANE Select); coding-DNA position 938, A replaced by G.
Protein change: p.His313Arg; replaces histidine 313 with arginine.
Molecular consequence: missense variant.
Genome position (GRCh38, 1-based): chr3:169,122,620, T>C on the plus strand (A>G on the coding strand, the complement: MECOM is on the minus strand). VCF-style: chr3-169122620-T-C. GRCh37 (hg19) VCF-style: chr3-168840408-T-C.
Other names: c.566A>G, p.His189Arg (NM_001105077.4); c.374A>G, p.His125Arg (NM_001105078.4, NM_001163999.2, NM_001164000.2 and 9 more transcripts); c.938A>G, p.His313Arg (NM_001366466.2, NM_001366473.2); short protein forms H125R, H189R, H313R.
Identifiers: ClinVar variation 4053198 (VCV004053198.1).